The following is an entry in ClinVar:

ClinVar aggregate classification (germline): Uncertain significance. Review status: criteria provided, multiple submitters, no conflicts (2 of 4 stars). 3 submissions from 3 submitters: Uncertain significance (2). 1 of the submissions does not count toward it. Last evaluated 2025-03-08.

Conditions:
Intellectual disability. Also called: Intellectual functioning disability; intellectual disabilities; Intellectual developmental disorder. Identifiers: MedGen C3714756, MeSH D008607, MONDO:0001071, HP:0001249.
MAGEL2-related disorder. Also called: MAGEL2-related condition.

Allele frequency attached by ClinVar (database versions not stated): gnomAD 0.00002; TOPMed 0.00002.
gnomAD v4.1: 67 of 1,536,234 alleles (0.0044%); highest among the groups gnomAD compares: Non-Finnish European, 0.0056%; no homozygotes.

Submissions (3):

Labcorp Genetics (formerly Invitae), Labcorp
Classification: Uncertain significance. Last evaluated: 2025-03-08. Review status: criteria provided, single submitter. Criteria: Invitae Variant Classification Sherloc (09022015). Collection method: clinical testing. Allele origin: germline.
Comment: This sequence change replaces proline, which is neutral and non-polar, with leucine, which is neutral and non-polar, at codon 307 of the MAGEL2 protein (p.Pro307Leu). This variant is present in population databases (no rsID available, gnomAD 0.004%). This variant has not been reported in the literature in individuals affected with MAGEL2-related conditions. ClinVar contains an entry for this variant (Variation ID: 2169947). An algorithm developed to predict the effect of missense changes on protein structure and function outputs the following: PolyPhen-2: "Not Available". The leucine amino acid residue is found in multiple mammalian species, which suggests that this missense change does not adversely affect protein function. In summary, the available evidence is currently insufficient to determine the role of this variant in disease. Therefore, it has been classified as a Variant of Uncertain Significance.

Cambridge Genomics Laboratory, East Genomic Laboratory Hub, NHS Genomic Medicine Service
Classification: Uncertain significance for Intellectual disability. Last evaluated: 2019-04-17. Review status: criteria provided, single submitter. Criteria: ACGS Best Practice Guidelines for Variant Classification in Rare Disease 2020. Collection method: clinical testing. Allele origin: germline. Affected: yes. Observed: 1 variant allele.

PreventionGenetics, part of Exact Sciences
Classification: Uncertain significance for MAGEL2-related condition. Last evaluated: 2024-05-30. Review status: no assertion criteria provided. Collection method: clinical testing. Allele origin: germline. Not counted in ClinVar's aggregate classification.
Comment: The MAGEL2 c.920C>T variant is predicted to result in the amino acid substitution p.Pro307Leu. To our knowledge, this variant has not been reported in the literature. This variant is reported in 0.0041% of alleles in individuals of Latino descent in gnomAD. At this time, the clinical significance of this variant is uncertain due to the absence of conclusive functional and genetic evidence.

NM_019066.5(MAGEL2):c.920C>T (p.Pro307Leu)

Gene: MAGEL2 (MAGE family member L2; minus strand). Cytogenetic location: 15q11.2.
Variant type: single nucleotide variant.
Coding change: c.920C>T on transcript NM_019066.5 (MANE Select); coding-DNA position 920, C replaced by T.
Protein change: p.Pro307Leu; replaces proline 307 with leucine.
Molecular consequence: missense variant.
Genome position (GRCh38, 1-based): chr15:23,646,823, G>A on the plus strand (C>T on the coding strand, the complement: MAGEL2 is on the minus strand). VCF-style: chr15-23646823-G-A. GRCh37 (hg19) VCF-style: chr15-23891970-G-A.
Other names: c.920C>T (NM_019066.4); short protein forms P307L.
Identifiers: ClinVar variation 2169947 (VCV002169947.8), dbSNP rs1018215911, ClinGen allele CA267660924.